The following is an entry in ClinVar:

ClinVar aggregate classification (germline): Conflicting classifications of pathogenicity. Review status: criteria provided, conflicting classifications (1 of 4 stars). 2 submissions from 2 submitters: Uncertain significance (1); Likely benign (1). Last evaluated 2023-03-23.

Conditions:
Hereditary cancer-predisposing syndrome. Also called: Hereditary neoplastic syndrome; Neoplastic Syndromes, Hereditary; Hereditary Cancer Syndrome; Tumor predisposition. Identifiers: Orphanet 140162, MedGen C0027672, MeSH D009386, MONDO:0015356.
Hereditary breast ovarian cancer syndrome. Also called: Hereditary breast and ovarian cancer; Hereditary breast and/or ovarian cancer syndrome; Hereditary breast and ovarian cancer syndrome; Hereditary breast and ovarian cancer syndrome (HBOC); Breast and ovarian cancer; BRCA1- and BRCA2-Associated Hereditary Breast and Ovarian Cancer. Identifiers: Orphanet 145, MedGen C0677776, MeSH D061325, MONDO:0003582. Disease mechanism: loss of function.

Submissions (2):

University of Washington Department of Laboratory Medicine, University of Washington
Classification: Likely benign for Hereditary cancer-predisposing syndrome. Last evaluated: 2023-03-23. Review status: criteria provided, single submitter. Criteria: Dines et al. (Genet Med. 2020). Collection method: curation. Allele origin: germline.
Comment: Missense variant in a coldspot region where missense variants are very unlikely to be pathogenic (PMID:31911673).

BRCA2 exon 11 coldspot. Reclassification based on statistical prior probability.

Labcorp Genetics (formerly Invitae), Labcorp
Classification: Uncertain significance for Hereditary breast ovarian cancer syndrome. Last evaluated: 2019-11-04. Review status: criteria provided, single submitter. Criteria: Invitae Variant Classification Sherloc (09022015). Collection method: clinical testing. Allele origin: germline.
Comment: In summary, the available evidence is currently insufficient to determine the role of this variant in disease. Therefore, it has been classified as a Variant of Uncertain Significance. Algorithms developed to predict the effect of missense changes on protein structure and function are either unavailable or do not agree on the potential impact of this missense change (SIFT: "Deleterious"; PolyPhen-2: "Benign"; Align-GVGD: "Class C0"). This variant has not been reported in the literature in individuals with BRCA2-related conditions. This variant is not present in population databases (ExAC no frequency). This sequence change replaces lysine with glutamic acid at codon 2206 of the BRCA2 protein (p.Lys2206Glu). The lysine residue is moderately conserved and there is a small physicochemical difference between lysine and glutamic acid.

NM_000059.4(BRCA2):c.6616A>G (p.Lys2206Glu)

Gene: BRCA2 (BRCA2 DNA repair associated; plus strand). Cytogenetic location: 13q13.1.
Variant type: single nucleotide variant.
Coding change: c.6616A>G on transcript NM_000059.4 (MANE Select); coding-DNA position 6616, A replaced by G.
Protein change: p.Lys2206Glu; replaces lysine 2206 with glutamic acid.
Molecular consequence: missense variant.
Genome position (GRCh38, 1-based): chr13:32,340,971, A>G. VCF-style: chr13-32340971-A-G. GRCh37 (hg19) VCF-style: chr13-32915108-A-G.
Other names: short protein forms K2206E.
Identifiers: ClinVar variation 965516 (VCV000965516.11), dbSNP rs2072560749, ClinGen allele CA387790172.
Genomic context (GRCh38, chr13:32,340,971, plus strand): 5'-TCACCTAAAAACGTAAAAATGGAAATTGGTAAAACTGAAACTTTTTCTGATGTTCCTGTG[A>G]AAACAAATATAGAAGTTTGTTCTACTTACTCCAAAGATTCAGAAAACTACTTTGAAACAG-3'
Protein context (NP_000050.3, residues 2196-2216): KTETFSDVPV[Lys2206Glu]TNIEVCSTYS